The following is an entry in ClinVar:

NM_000264.5(PTCH1):c.2396C>T (p.Ser799Phe)

Genes: PTCH1 (patched 1; minus strand), LOC100507346 (uncharacterized LOC100507346; plus strand). Cytogenetic location: 9q22.32.
Variant type: single nucleotide variant.
Coding change: c.2396C>T on transcript NM_000264.5 (MANE Select); coding-DNA position 2396, C replaced by T.
Protein change: p.Ser799Phe; replaces serine 799 with phenylalanine.
Molecular consequence: missense variant.
Genome position (GRCh38, 1-based): chr9:95,467,280, G>A on the plus strand (C>T on the coding strand, the complement: PTCH1 is on the minus strand). VCF-style: chr9-95467280-G-A. GRCh37 (hg19) VCF-style: chr9-98229562-G-A.
Other names: c.2198C>T, p.Ser733Phe (NM_001083602.3); c.2393C>T, p.Ser798Phe (NM_001083603.3); c.1943C>T, p.Ser648Phe (NM_001083604.3, NM_001083605.3, NM_001083606.3 and 1 more transcripts); c.2240C>T, p.Ser747Phe (NM_001354918.2); short protein forms S648F, S747F, S798F, S799F, S733F.
Identifiers: ClinVar variation 4675422 (VCV004675422.2).

ClinVar aggregate classification (germline): Uncertain significance (1 of 4 stars; one submission).

Conditions:
Hereditary cancer-predisposing syndrome. Also called: Hereditary Cancer Syndrome; Hereditary neoplastic syndrome; Neoplastic Syndromes, Hereditary; Tumor predisposition. Identifiers: Orphanet 140162, MedGen C0027672, MeSH D009386, MONDO:0015356.

Submission:

Ambry Genetics
Classification: Uncertain significance for Hereditary cancer-predisposing syndrome. Last evaluated: 2026-09-11. Review status: criteria provided, single submitter. Criteria: Ambry Variant Classification Scheme 2023. Collection method: clinical testing. Allele origin: germline.
Comment: The p.S799F variant (also known as c.2396C>T), located in coding exon 15 of the PTCH1 gene, results from a C to T substitution at nucleotide position 2396. The serine at codon 799 is replaced by phenylalanine, an amino acid with highly dissimilar properties. This amino acid position is conserved. In addition, this alteration is predicted to be deleterious by in silico analysis. Based on the available evidence, the clinical significance of this variant remains unclear.